The following is an entry in ClinVar:

ClinVar aggregate classification (germline): Uncertain significance. Review status: criteria provided, multiple submitters, no conflicts (2 of 4 stars). 2 submissions from 2 submitters: Uncertain significance (2). Last evaluated 2026-05-15.

Conditions:
USH2A-related disorder. Also called: USH2A-related disorders; USH2A-related condition. Identifiers: MedGen CN239332.

gnomAD v4.1: 6 of 1,614,054 alleles (0.00037%); highest among the groups gnomAD compares: South Asian, 0.0066%; no homozygotes.

Submissions (2):

PreventionGenetics, part of Exact Sciences
Classification: Uncertain significance for USH2A-related condition. Last evaluated: 2026-05-15. Review status: criteria provided, single submitter. Criteria: ACMG Guidelines, 2015. Collection method: clinical testing. Allele origin: germline.
Comment: The USH2A c.8068C>T variant is predicted to result in the amino acid substitution p.Leu2690Phe. To our knowledge, this variant has not been reported in the literature. This variant is reported in 0.0065% of alleles in individuals of South Asian descent in gnomAD. At this time, the clinical significance of this variant is uncertain due to the absence of conclusive functional and genetic evidence.

Blueprint Genetics
Classification: Uncertain significance. Last evaluated: 2018-05-25. Review status: criteria provided, single submitter. Criteria: ACMG Guidelines, 2015. Collection method: clinical testing. Allele origin: germline.

NM_206933.4(USH2A):c.8068C>T (p.Leu2690Phe)

Gene: USH2A (usherin; minus strand). Cytogenetic location: 1q41.
Variant type: single nucleotide variant.
Coding change: c.8068C>T on transcript NM_206933.4 (MANE Select); coding-DNA position 8068, C replaced by T.
Protein change: p.Leu2690Phe; replaces leucine 2690 with phenylalanine.
Molecular consequence: missense variant.
Genome position (GRCh38, 1-based): chr1:215,888,581, G>A on the plus strand (C>T on the coding strand, the complement: USH2A is on the minus strand). VCF-style: chr1-215888581-G-A. GRCh37 (hg19) VCF-style: chr1-216061923-G-A.
Other names: c.8068C>T (NM_206933.2); short protein forms L2690F.
Identifiers: ClinVar variation 4936563 (VCV004936563.2).
Genomic context (GRCh38, chr1:215,888,581, plus strand): 5'-TTGTGCCTCCATGAAGAGTGCTCATCAGTACCCGATATTCATATTTTGTCCATGGGCTAA[G>A]AGCAGAAGTCTTGTCAATAAACCTCATGGAATGACTCCTCGGGAGAGTCACCAGGGTAGT-3'
Protein context (NP_996816.3, residues 2680-2700): SMRFIDKTSA[Leu2690Phe]SPWTKYEYRV